The following is an entry in ClinVar:

ClinVar aggregate classification (germline): Conflicting classifications of pathogenicity. Review status: criteria provided, conflicting classifications (1 of 4 stars). 3 submissions from 3 submitters: Uncertain significance (1); Likely benign (1). 1 of the submissions does not count toward it. Last evaluated 2021-02-04.

Conditions:
Chudley-McCullough syndrome (CMCS). Also called: DEAFNESS, SENSORINEURAL, WITH PARTIAL AGENESIS OF THE CORPUS CALLOSUM AND ARACHNOID CYSTS; Deafness, autosomal recessive 82. Identifiers: Orphanet 314597, MedGen C1858695, MONDO:0011411, OMIM 604213.
GPSM2-related disorder. Also called: GPSM2-related condition; GPSM2-related disorders.

Allele frequency attached by ClinVar (database versions not stated): gnomAD exomes 0.00015 and 0.00032; 1000 Genomes Project 30x 0.00031; ESP Exome Variant Server 0.00100; gnomAD 0.00109 and 0.00113; TOPMed 0.00138; ExAC 0.00032; 1000 Genomes Project 0.00040.
gnomAD v4.1: 386 of 1,611,260 alleles (0.024%); highest among the groups gnomAD compares: African/African-American, 0.38%; 1 homozygote.

Submissions (3):

GeneDx
Classification: Likely benign. Last evaluated: 2021-02-04. Review status: criteria provided, single submitter. Criteria: GeneDx Variant Classification Process June 2021. Collection method: clinical testing. Allele origin: germline. Affected: yes.

Illumina Laboratory Services, Illumina
Classification: Uncertain significance for Chudley-McCullough syndrome. Last evaluated: 2018-01-12. Review status: criteria provided, single submitter. Criteria: ICSL Variant Classification Criteria 13 December 2019. Collection method: clinical testing. Allele origin: germline.

PreventionGenetics, part of Exact Sciences
Classification: Likely benign for GPSM2-related condition. Last evaluated: 2019-06-10. Review status: no assertion criteria provided. Collection method: clinical testing. Allele origin: germline. Not counted in ClinVar's aggregate classification.
Comment: This variant is classified as likely benign based on ACMG/AMP sequence variant interpretation guidelines (Richards et al. 2015 PMID: 25741868, with internal and published modifications).

NM_013296.5(GPSM2):c.*7T>C

Genes: CLCC1 (chloride channel CLIC like 1; minus strand), GPSM2 (G protein signaling modulator 2; plus strand). Cytogenetic location: 1p13.3.
Variant type: single nucleotide variant.
Coding change: c.*7T>C on transcript NM_013296.5 (MANE Select); 7 bases downstream of the stop codon, T replaced by C.
Molecular consequence: 3 prime UTR variant. On other transcripts: non-coding transcript variant (1).
Genome position (GRCh38, 1-based): chr1:108,929,947, T>C. VCF-style: chr1-108929947-T-C. GRCh37 (hg19) VCF-style: chr1-109472569-T-C.
Other names: c.*2600A>G (NM_001048210.3, NM_001278202.2, NM_001278203.1 and 10 more transcripts); c.*2605A>G (NM_001377459.1, NM_001377460.1, NM_001377462.1 and 1 more transcripts); c.*7T>C (NM_001321038.2, NM_001321039.3).
Identifiers: ClinVar variation 386577 (VCV000386577.9), dbSNP rs193138520, ClinGen allele CA983239.
Genomic context (GRCh38, chr1:108,929,947, plus strand): 5'-AATAATGCTTTGTTGGAGTTTAAAAATTCAGGGAAAAAATCGGCAGACCATTAGTTACTA[T>C]GGATTTATTTTTTTTCCTTTCAAACACGGTAAGGAAACAATCTATTACTTTTTTCCTTAA-3'